The following is an entry in ClinVar:

NC_000017.11:g.(?_58709849)_(58734232_?)del

Gene: RAD51C (RAD51 paralog C; plus strand). Cytogenetic location: 17q22.
Variant type: Deletion.
Identifiers: ClinVar variation 584295 (VCV000584295.3).

ClinVar aggregate classification (germline): Pathogenic (1 of 4 stars; one submission).

Conditions:
Fanconi anemia complementation group O. Also called: RAD51C-Related Fanconi Anemia. Identifiers: Orphanet 84, MedGen C3150653, MONDO:0013248, OMIM 613390.

Submission:

Labcorp Genetics (formerly Invitae), Labcorp
Classification: Pathogenic for Fanconi anemia, complementation group O. Last evaluated: 2019-07-03. Review status: criteria provided, single submitter. Criteria: Invitae Variant Classification Sherloc (09022015). Collection method: clinical testing. Allele origin: germline.
Comment: This variant is a gross deletion of the genomic region encompassing exons 5-9 of the RAD51C gene. The 5' boundary is likely confined to intron 4. The 3' end of this event is unknown as it extends through the termination codon beyond the assayed region for this gene and may encompass additional genes. While this deletion is not anticipated to result in nonsense mediated decay, it is expected to create a truncated protein product or disrupt mRNA translation. A similar deletion of exons 5-9 has been reported in individuals affected with breast cancer and ovarian cancer (PMID: 24359560). ClinVar contains an entry for RAD51C deletion of exons 5-9 (Variation ID: 220591). This deletion is predicted to result in the loss of 141 C-terminal amino acid residues of the RAD51C protein, including the nuclear localization signal. In vitro analyses have shown that deletion of the nuclear localization signal leads to improper cellular distribution of the protein and increased sensitivity to DNA cross-linking agents (PMID: 12966089). For these reasons, this variant has been classified as Pathogenic.

Literature cited by the submitters: PubMed 12966089; PubMed 24359560.